The following is an entry in ClinVar:

NM_001170629.2(CHD8):c.1936A>G (p.Lys646Glu)

Gene: CHD8 (chromodomain helicase DNA binding protein 8; minus strand). Cytogenetic location: 14q11.2.
Variant type: single nucleotide variant.
Coding change: c.1936A>G on transcript NM_001170629.2 (MANE Select); coding-DNA position 1936, A replaced by G.
Protein change: p.Lys646Glu; replaces lysine 646 with glutamic acid.
Molecular consequence: missense variant.
Genome position (GRCh38, 1-based): chr14:21,415,606, T>C on the plus strand (A>G on the coding strand, the complement: CHD8 is on the minus strand). VCF-style: chr14-21415606-T-C. GRCh37 (hg19) VCF-style: chr14-21883765-T-C.
Other names: c.1099A>G, p.Lys367Glu (NM_020920.4); short protein forms K367E, K646E.
Identifiers: ClinVar variation 3774555 (VCV003774555.1).
Genomic context (GRCh38, chr14:21,415,606, plus strand): 5'-AATAATAATAATAATAAAAAGCCCTCACCTCCTTCTTCACAATCCGCATAGAAAGCACTT[T>C]GTCTACAATGGCTGCATCTTCTTCACTGGGATTCTCCTGCAGCAAAAGATGCAGTCAGTC-3'
Protein context (NP_001164100.1, residues 636-656): PSEEDAAIVD[Lys646Glu]VLSMRIVKKE

ClinVar aggregate classification (germline): Uncertain significance (1 of 4 stars; one submission).

Conditions:
Intellectual developmental disorder with autism and macrocephaly. Also called: Autism, susceptibility to, 18; CHD8-Related Neurodevelopmental Disorder with Overgrowth. Identifiers: Orphanet 642675, MedGen C3554373, MONDO:0014017, OMIM 615032.

Submission:

MVZ Medizinische Genetik Mainz
Classification: Uncertain significance for Intellectual developmental disorder with autism and macrocephaly. Last evaluated: 2025-01-31. Review status: criteria provided, single submitter. Criteria: UK Practice Guidelines For Variant Classification V4 01 2020. Collection method: clinical testing. Allele origin: germline. Inheritance: Autosomal dominant inheritance. Affected: yes. Observed: 1 variant allele.
Comment: ACMG Criteria: PP3_MOD,PM2_SUP,PP2